The following is an entry in ClinVar:

ClinVar aggregate classification (germline): Benign (1 of 4 stars; one submission).

Allele frequency attached by ClinVar (database versions not stated): 1000 Genomes Project 30x 0.92380; gnomAD 0.92892 and 0.93422.
gnomAD v4.1: 113,141 of 121,028 alleles (93%); highest among the groups gnomAD compares: East Asian, 100%; 53,584 homozygotes.

Submission:

GeneDx
Classification: Benign. Last evaluated: 2018-06-14. Review status: criteria provided, single submitter. Criteria: GeneDx Variant Classification (06012015). Collection method: clinical testing. Allele origin: germline. Affected: yes.
Comment: This variant is considered likely benign or benign based on one or more of the following criteria: it is a conservative change, it occurs at a poorly conserved position in the protein, it is predicted to be benign by multiple in silico algorithms, and/or has population frequency not consistent with disease.

NM_144670.6(A2ML1):c.3717+249C>A

Gene: A2ML1 (alpha-2-macroglobulin like 1; plus strand). Cytogenetic location: 12p13.31.
Variant type: single nucleotide variant.
Coding change: c.3717+249C>A on transcript NM_144670.6 (MANE Select); 249 bases into the intron after coding-DNA position 3717, C replaced by A.
Molecular consequence: intron variant.
Genome position (GRCh38, 1-based): chr12:8,864,257, C>A. VCF-style: chr12-8864257-C-A. GRCh37 (hg19) VCF-style: chr12-9016853-C-A.
Other names: c.2244+249C>A (NM_001282424.3).
Identifiers: ClinVar variation 561556 (VCV000561556.1), dbSNP rs61919496, ClinGen allele CA232702300.